The following is an entry in ClinVar:

NC_000008.11:g.(?_99520889)_(99521020_?)del

Gene: VPS13B (vacuolar protein sorting 13 homolog B; plus strand). Cytogenetic location: 8q22.2.
Variant type: Deletion.
Identifiers: ClinVar variation 831307 (VCV000831307.7).

ClinVar aggregate classification (germline): Pathogenic (1 of 4 stars; one submission).

Conditions:
Cohen syndrome (COH1). Also called: Cutis verticis gyrata, retinitis pigmentosa, and sensorineural deafness; PEPPER SYNDROME. Identifiers: Orphanet 193, MedGen C0265223, MONDO:0008999, OMIM 216550.

Submission:

Labcorp Genetics (formerly Invitae), Labcorp
Classification: Pathogenic for Cohen syndrome. Last evaluated: 2022-08-05. Review status: criteria provided, single submitter. Criteria: Invitae Variant Classification Sherloc (09022015). Collection method: clinical testing. Allele origin: germline.
Comment: This variant is a gross deletion of the genomic region encompassing exon(s) 30 of the VPS13B gene. This deletion is out-of-frame, and is expected to create a premature termination codon and result in an absent or disrupted protein product. Loss-of-function variants in VPS13B are known to be pathogenic (PMID: 15141358, 16648375, 20461111). A similar copy number variant has been observed in individual(s) with Cohen syndrome (PMID: 12730828). For these reasons, this variant has been classified as Pathogenic.

Literature cited by the submitters: PubMed 15141358; PubMed 16648375; PubMed 20461111; PubMed 12730828.